The following is an entry in ClinVar:

NM_001009944.3(PKD1):c.11743_11744delinsAA (p.Ala3915Asn)

Gene: PKD1 (polycystin 1, transient receptor potential channel interacting; minus strand). Cytogenetic location: 16p13.3.
Variant type: Indel.
Coding change: c.11743_11744delinsAA on transcript NM_001009944.3 (MANE Select); coding-DNA positions 11743 to 11744, GC replaced by AA.
Protein change: p.Ala3915Asn; replaces alanine 3915 with asparagine.
Molecular consequence: missense variant.
Genome position (GRCh38, 1-based): chr16:2,091,143-2,091,144, GC replaced by TT on the plus strand (GC replaced by AA on the coding strand, the reverse complement: PKD1 is on the minus strand). VCF-style: chr16-2091143-GC-TT. GRCh37 (hg19) VCF-style: chr16-2141144-GC-TT.
Other names: c.11740_11741delinsAA, p.Ala3914Asn (NM_000296.4); c.11743_11744delGCinsAA, p.Ala3915Asn (NM_001009944.2); short protein forms A3914N, A3915N.
Identifiers: ClinVar variation 3899204 (VCV003899204.1).

ClinVar aggregate classification (germline): Uncertain significance (1 of 4 stars; one submission).

Submission:

GeneDx
Classification: Uncertain significance. Last evaluated: 2024-11-11. Review status: criteria provided, single submitter. Criteria: GeneDx Variant Classification Process June 2021. Collection method: clinical testing. Allele origin: germline. Affected: yes.
Comment: Not observed at significant frequency in large population cohorts (gnomAD); In silico analysis indicates that this variant does not alter protein structure/function; Has not been previously published as pathogenic or benign to our knowledge